The following is an entry in ClinVar:

NM_000321.3(RB1):c.1061A>G (p.Gln354Arg)

Gene: RB1 (RB transcriptional corepressor 1; plus strand). Cytogenetic location: 13q14.2.
Variant type: single nucleotide variant.
Coding change: c.1061A>G on transcript NM_000321.3 (MANE Select); coding-DNA position 1061, A replaced by G.
Protein change: p.Gln354Arg; replaces glutamine 354 with arginine.
Molecular consequence: missense variant.
Genome position (GRCh38, 1-based): chr13:48,368,538, A>G. VCF-style: chr13-48368538-A-G. GRCh37 (hg19) VCF-style: chr13-48942674-A-G.
Other names: c.1061A>G, p.Gln354Arg (NM_001407165.1, NM_001407166.1); short protein forms Q354R.
Identifiers: ClinVar variation 5027971 (VCV005027971.1).
Genomic context (GRCh38, chr13:48,368,538, plus strand): 5'-CAAATTGTAAATTTTCAGTATGTGAATGACTTCACTTATTGTTATTTAGTTTTGAAACAC[A>G]GAGAACACCACGAAAAAGTAACCTTGATGAAGAGGTGAATGTAATTCCTCCACACACTCC-3'
Protein context (NP_000312.2, residues 344-364): QTDSIDSFET[Gln354Arg]RTPRKSNLDE

ClinVar aggregate classification (germline): Uncertain significance (1 of 4 stars; one submission).

Conditions:
Hereditary cancer-predisposing syndrome. Also called: Neoplastic Syndromes, Hereditary; Tumor predisposition; Hereditary neoplastic syndrome; Hereditary Cancer Syndrome. Identifiers: Orphanet 140162, MedGen C0027672, MeSH D009386, MONDO:0015356.

Submission:

Ambry Genetics
Classification: Uncertain significance for Hereditary cancer-predisposing syndrome. Last evaluated: 2026-07-27. Review status: criteria provided, single submitter. Criteria: Ambry Variant Classification Scheme 2023. Collection method: clinical testing. Allele origin: germline.
Comment: The p.Q354R variant (also known as c.1061A>G), located in coding exon 11 of the RB1 gene, results from an A to G substitution at nucleotide position 1061. The glutamine at codon 354 is replaced by arginine, an amino acid with highly similar properties. This amino acid position is conserved. In addition, this alteration is predicted to be tolerated by in silico analysis. Based on the available evidence, the clinical significance of this variant remains unclear.